The following is an entry in ClinVar:

ClinVar aggregate classification (germline): Uncertain significance (1 of 4 stars; one submission).

Allele frequency attached by ClinVar (database versions not stated): gnomAD exomes below 0.00001.
gnomAD v4.1: 1 of 1,481,230 alleles (0.000068%); highest among the groups gnomAD compares: Non-Finnish European, 0.000094%; no homozygotes.

Submission:

Labcorp Genetics (formerly Invitae), Labcorp
Classification: Uncertain significance. Last evaluated: 2021-09-15. Review status: criteria provided, single submitter. Criteria: Invitae Variant Classification Sherloc (09022015). Collection method: clinical testing. Allele origin: germline.
Comment: In summary, the available evidence is currently insufficient to determine the role of this variant in disease. Therefore, it has been classified as a Variant of Uncertain Significance. Algorithms developed to predict the effect of missense changes on protein structure and function output the following: SIFT: "Tolerated"; PolyPhen-2: "Benign"; Align-GVGD: "Class C0". The glutamic acid amino acid residue is found in multiple mammalian species, which suggests that this missense change does not adversely affect protein function. This variant has not been reported in the literature in individuals affected with SI-related conditions. This variant is not present in population databases (ExAC no frequency). This sequence change replaces glutamine with glutamic acid at codon 340 of the SI protein (p.Gln340Glu). The glutamine residue is weakly conserved and there is a small physicochemical difference between glutamine and glutamic acid.

NM_001041.4(SI):c.1018C>G (p.Gln340Glu)

Gene: SI (sucrase-isomaltase; minus strand). Cytogenetic location: 3q26.1.
Variant type: single nucleotide variant.
Coding change: c.1018C>G on transcript NM_001041.4 (MANE Select); coding-DNA position 1018, C replaced by G.
Protein change: p.Gln340Glu; replaces glutamine 340 with glutamic acid.
Molecular consequence: missense variant.
Genome position (GRCh38, 1-based): chr3:165,062,373, G>C on the plus strand (C>G on the coding strand, the complement: SI is on the minus strand). VCF-style: chr3-165062373-G-C. GRCh37 (hg19) VCF-style: chr3-164780161-G-C.
Other names: short protein forms Q340E.
Identifiers: ClinVar variation 1381490 (VCV001381490.6), dbSNP rs2108253868, ClinGen allele CA355030943.
Genomic context (GRCh38, chr3:165,062,373, plus strand): 5'-ATGTTAGATGAAATAAAAGTATGCAGAAAAAATTTTATAAAATAGACCTGAAACACACCT[G>C]TTGATACTGTTGAACTACTTGTTCTGGTGTATCTCCTAGAAGGATGTAAAAATCCAGAAT-3'
Protein context (NP_001032.2, residues 330-350): TPEQVVQQYQ[Gln340Glu]LVGLPAMPAY